The following is an entry in ClinVar:

NM_001142800.2(EYS):c.4579C>T (p.Gln1527Ter)

Gene: EYS (EGF-like photoreceptor maintenance factor; minus strand). Cytogenetic location: 6q12.
Variant type: single nucleotide variant.
Coding change: c.4579C>T on transcript NM_001142800.2 (MANE Select); coding-DNA position 4579, C replaced by T.
Protein change: p.Gln1527Ter; replaces glutamine 1527 with a stop codon.
Molecular consequence: nonsense.
Genome position (GRCh38, 1-based): chr6:64,591,288, G>A on the plus strand (C>T on the coding strand, the complement: EYS is on the minus strand). VCF-style: chr6-64591288-G-A. GRCh37 (hg19) VCF-style: chr6-65301181-G-A.
Other names: c.4579C>T, p.Gln1527Ter (NM_001292009.2); short protein forms Q1527*.
Identifiers: ClinVar variation 1426332 (VCV001426332.6), dbSNP rs1490143139, ClinGen allele CA364783011.

ClinVar aggregate classification (germline): Pathogenic (1 of 4 stars; one submission).

Allele frequency attached by ClinVar (database versions not stated): TOPMed below 0.00001.

Submission:

Labcorp Genetics (formerly Invitae), Labcorp
Classification: Pathogenic. Last evaluated: 2024-10-05. Review status: criteria provided, single submitter. Criteria: Invitae Variant Classification Sherloc (09022015). Collection method: clinical testing. Allele origin: germline.
Comment: This sequence change creates a premature translational stop signal (p.Gln1527*) in the EYS gene. It is expected to result in an absent or disrupted protein product. Loss-of-function variants in EYS are known to be pathogenic (PMID: 18836446, 20333770). This variant is not present in population databases (gnomAD no frequency). This variant has not been reported in the literature in individuals affected with EYS-related conditions. ClinVar contains an entry for this variant (Variation ID: 1426332). For these reasons, this variant has been classified as Pathogenic.

Literature cited by the submitters: PubMed 18836446; PubMed 20333770.